The following is an entry in ClinVar:

NM_001569.4(IRAK1):c.729+10G>A

Gene: IRAK1 (interleukin 1 receptor associated kinase 1; minus strand). Cytogenetic location: Xq28.
Variant type: single nucleotide variant.
Coding change: c.729+10G>A on transcript NM_001569.4 (MANE Select); 10 bases into the intron after coding-DNA position 729, G replaced by A.
Molecular consequence: intron variant.
Genome position (GRCh38, 1-based): chrX:154,018,589, C>T on the plus strand (G>A on the coding strand, the complement: IRAK1 is on the minus strand). VCF-style: chrX-154018589-C-T. GRCh37 (hg19) VCF-style: chrX-153284040-C-T.
Other names: c.729+10G>A (NM_001025243.2, NM_001025242.2); c.807+10G>A (NM_001410701.1).
Identifiers: ClinVar variation 3047572 (VCV003047572.2), dbSNP rs368268634, ClinGen allele CA10558282.

ClinVar aggregate classification (germline): Likely benign (0 of 4 stars; one submission).

Conditions:
IRAK1-related disorder. Also called: IRAK1-related condition.

Allele frequency attached by ClinVar (database versions not stated): ExAC 0.00002; gnomAD exomes 0.00008; ESP Exome Variant Server 0.00009; gnomAD 0.00009.
gnomAD v4.1: 102 of 1,186,236 alleles (0.0086%); highest among the groups gnomAD compares: Middle Eastern, 0.047%; no homozygotes.

Submission:

PreventionGenetics, part of Exact Sciences
Classification: Likely benign for IRAK1-related condition. Last evaluated: 2019-04-01. Review status: no assertion criteria provided. Collection method: clinical testing. Allele origin: germline.
Comment: This variant is classified as likely benign based on ACMG/AMP sequence variant interpretation guidelines (Richards et al. 2015 PMID: 25741868, with internal and published modifications).